The following is an entry in ClinVar:

ClinVar aggregate classification (germline): Conflicting classifications of pathogenicity. Review status: criteria provided, conflicting classifications (1 of 4 stars). 5 submissions from 5 submitters: Likely pathogenic (1); Uncertain significance (3). 1 of the submissions does not count toward it. Last evaluated 2024-04-25.

Conditions:
Leukodystrophy, hypomyelinating, 7, with or without oligodontia and/or hypogonadotropic hypogonadism (HLD7). Also called: LEUKODYSTROPHY, HYPOMYELINATING, 7, WITH OLIGODONTIA; LEUKODYSTROPHY, HYPOMYELINATING, 7, WITH OLIGODONTIA AND HYPOGONADOTROPIC HYPOGONADISM; LEUKODYSTROPHY, HYPOMYELINATING, 7, WITHOUT OLIGODONTIA OR HYPOGONADOTROPIC HYPOGONADISM; LEUKOENCEPHALOPATHY, HYPOMYELINATING, WITH ATAXIA AND DELAYED DENTITION; ATAXIA, DELAYED DENTITION, AND HYPOMYELINATION; Ataxia, Delayed Dentition and Hypomyelination (ADDH). Identifiers: Orphanet 137639, Orphanet 447893, Orphanet 447896, Orphanet 77295, Orphanet 88637, MedGen CN034185, MONDO:0011897, OMIM 607694.

Allele frequency attached by ClinVar (database versions not stated): ExAC 0.00001; gnomAD 0.00001; gnomAD exomes 0.00001.
gnomAD v4.1: 24 of 1,613,958 alleles (0.0015%); highest among the groups gnomAD compares: South Asian, 0.0033%; no homozygotes.

Submissions (5):

GeneDx
Classification: Uncertain significance. Last evaluated: 2024-04-25. Review status: criteria provided, single submitter. Criteria: GeneDx Variant Classification Process June 2021. Collection method: clinical testing. Allele origin: germline. Affected: yes.
Comment: In silico analysis supports that this missense variant has a deleterious effect on protein structure/function; Not observed at significant frequency in large population cohorts (gnomAD); This variant is associated with the following publications: (PMID: 31637490, 36357925)

Broad Center for Mendelian Genomics, Broad Institute of MIT and Harvard
Classification: Likely pathogenic for Leukodystrophy, hypomyelinating, 7, with or without oligodontia and/or hypogonadotropic hypogonadism. Last evaluated: 2024-01-24. Review status: criteria provided, single submitter. Criteria: ACMG Guidelines, 2015. Collection method: curation. Allele origin: germline. Inheritance: Autosomal recessive inheritance.
Comment: The p.Thr596Met variant in POLR3A has been reported in 2 individuals, with POLR3A-related disorders (PMID: 31637490, Murtazina et al. 2021), and has been identified in 0.003% (1/30616) of South Asian chromosomes by the Genome Aggregation Database (gnomAD; dbSNP ID: rs756953635). Although this variant has been seen in the general population in a heterozygous state, its frequency is low enough to be consistent with a recessive carrier frequency. This variant has also been reported in ClinVar (Variation ID#: 1334854) and has been interpreted as a variant of uncertain significance by Genetic Services Laboratory (University of Chicago) and Invitae. Of the 2 affected individuals, both were compound heterozygotes that carried reported pathogenic variants in trans, which increases the likelihood that the p.Thr596Met variant is pathogenic (Variation ID: 449556, 445922; PMID: 31637490, Murtazina et al. 2021). Computational prediction tools and conservation analyses suggest that this variant may impact the protein, though this information is not predictive enough to determine pathogenicity. In summary, although additional studies are required to fully establish its clinical significance, this variant is likely pathogenic for autosomal recessive POLR3A-related disorders. ACMG/AMP Criteria applied: PP3, PM2_supporting, PM3_strong (Richards 2015).

Labcorp Genetics (formerly Invitae), Labcorp
Classification: Uncertain significance. Last evaluated: 2023-11-27. Review status: criteria provided, single submitter. Criteria: Invitae Variant Classification Sherloc (09022015). Collection method: clinical testing. Allele origin: germline.
Comment: This sequence change replaces threonine, which is neutral and polar, with methionine, which is neutral and non-polar, at codon 596 of the POLR3A protein (p.Thr596Met). This variant is present in population databases (rs756953635, gnomAD 0.006%). This missense change has been observed in individual(s) with spastic ataxia (PMID: 31637490). ClinVar contains an entry for this variant (Variation ID: 1334854). Advanced modeling of protein sequence and biophysical properties (such as structural, functional, and spatial information, amino acid conservation, physicochemical variation, residue mobility, and thermodynamic stability) has been performed at Invitae for this missense variant, however the output from this modeling did not meet the statistical confidence thresholds required to predict the impact of this variant on POLR3A protein function. In summary, the available evidence is currently insufficient to determine the role of this variant in disease. Therefore, it has been classified as a Variant of Uncertain Significance.

Genetic Services Laboratory, University of Chicago
Classification: Uncertain significance. Last evaluated: 2018-05-29. Review status: criteria provided, single submitter. Criteria: ACMG Guidelines, 2015. Collection method: clinical testing. Allele origin: germline. Affected: no.

Undiagnosed Diseases Network, NIH
Classification: Likely pathogenic for Leukodystrophy, hypomyelinating, 7, with or without oligodontia and/or hypogonadotropic hypogonadism. Last evaluated: 2024-02-22. Review status: no assertion criteria provided. Collection method: clinical testing. Allele origin: paternal. Affected: yes. Observed: 3 variant alleles, 1 heterozygote, 2 compound heterozygotes. Clinical features observed: Abnormality of the dentition (HP:0000164), Thin upper lip vermilion (HP:0000219), Microcephaly (HP:0000252), Smooth philtrum (HP:0000319), Broad forehead (HP:0000337), Protruding ear (HP:0000411), Esotropia (HP:0000565), Upslanted palpebral fissure (HP:0000582), Hypotelorism (HP:0000601), Nystagmus (HP:0000639), Cafe-au-lait spot (HP:0000957), Optic neuropathy (HP:0001138), and 10 more. Study: Undiagnosed Diseases Network (NIH), UDN. Not counted in ClinVar's aggregate classification.

Literature cited by the submitters: PubMed 31637490 (cited by Labcorp Genetics (formerly Invitae), Labcorp).

NM_007055.4(POLR3A):c.1787C>T (p.Thr596Met)

Gene: POLR3A (RNA polymerase III subunit A; minus strand). Cytogenetic location: 10q22.3.
Variant type: single nucleotide variant.
Coding change: c.1787C>T on transcript NM_007055.4 (MANE Select); coding-DNA position 1787, C replaced by T.
Protein change: p.Thr596Met; replaces threonine 596 with methionine.
Molecular consequence: missense variant.
Genome position (GRCh38, 1-based): chr10:78,009,659, G>A on the plus strand (C>T on the coding strand, the complement: POLR3A is on the minus strand). VCF-style: chr10-78009659-G-A. GRCh37 (hg19) VCF-style: chr10-79769417-G-A.
Other names: NM_007055.4(POLR3A):c.1787C>T; p.Thr596Met; p.T596M; short protein forms T596M.
Identifiers: ClinVar variation 1334854 (VCV001334854.15), dbSNP rs756953635, ClinGen allele CA5571310.
Genomic context (GRCh38, chr10:78,009,659, plus strand): 5'-TTGGCCCTCACTGGATTGTCATCGCTAGGCCTGAGGATGACACTGAAGATCTGCTTTCCC[G>A]TCCACAGGGTGACAGGCTGAGGGGGGGAGGAAGCCTGAGAGTCAGTGGGCTGAGCCTGGT-3'
Protein context (NP_008986.2, residues 586-606): PTILKPVTLW[Thr596Met]GKQIFSVILR